The following is an entry in ClinVar:

ClinVar aggregate classification (germline): Benign/Likely benign. Review status: criteria provided, multiple submitters, no conflicts (2 of 4 stars). 11 submissions from 9 submitters: Benign (2); Likely benign (6). 3 of the submissions do not count toward it. Last evaluated 2026-04-01.

Conditions:
PPARG-related disorder. Also called: PPARG-related condition; PPARG-related disorders.
Obesity. Also called: Obesity disorder. Identifiers: Orphanet 71529, MedGen C0028754, MeSH D009765, MONDO:0011122, HP:0001513.
PPARG-related familial partial lipodystrophy. Also called: LIPODYSTROPHY, FAMILIAL PARTIAL, ASSOCIATED WITH PPARG MUTATIONS. Identifiers: Orphanet 79083, MedGen C1720861, MONDO:0011448, OMIM 604367.
INSULIN RESISTANCE, DIGENIC. Identifiers: MedGen C4016738.

Allele frequency attached by ClinVar (database versions not stated): 1000 Genomes Project 30x 0.00047; 1000 Genomes Project 0.00060; ExAC 0.00190; TOPMed 0.00207; gnomAD 0.00244 and 0.00250; ESP Exome Variant Server 0.00354.
gnomAD v4.1: 5,693 of 1,614,184 alleles (0.35%); highest among the groups gnomAD compares: Non-Finnish European, 0.44%; 20 homozygotes.

Submissions (11):

CeGaT Center for Human Genetics Tuebingen
Classification: Likely benign. Last evaluated: 2026-04-01. Review status: criteria provided, single submitter. Criteria: CeGaT Center For Human Genetics Tuebingen Variant Classification Criteria Version 2. Collection method: clinical testing. Allele origin: germline. Affected: yes. Observed: 5 variant alleles.
Comment: PPARG: BP4, BP7, BS2

Labcorp Genetics (formerly Invitae), Labcorp
Classification: Benign. Last evaluated: 2026-01-15. Review status: criteria provided, single submitter. Criteria: Invitae Variant Classification Sherloc (09022015). Collection method: clinical testing. Allele origin: germline.

Blueprint Genetics
Classification: Likely benign. Last evaluated: 2024-11-26. Review status: criteria provided, single submitter. Criteria: ACMG Guidelines, 2015. Collection method: clinical testing. Allele origin: germline.

Genetic Services Laboratory, University of Chicago
Classification: Likely benign. Last evaluated: 2018-03-26. Review status: criteria provided, single submitter. Criteria: ACMG Guidelines, 2015. Collection method: clinical testing. Allele origin: germline. Affected: no.

Illumina Laboratory Services, Illumina
Classification: Benign for PPARG-related familial partial lipodystrophy. Last evaluated: 2018-01-13. Review status: criteria provided, single submitter. Criteria: ICSL Variant Classification Criteria 13 December 2019. Collection method: clinical testing. Allele origin: germline.
Comment: This variant was observed in the ICSL laboratory as part of a predisposition screen in an ostensibly healthy population. It had not been previously curated by ICSL or reported in the Human Gene Mutation Database (HGMD: prior to June 1st, 2018), and was therefore a candidate for classification through an automated scoring system. Utilizing variant allele frequency, disease prevalence and penetrance estimates, and inheritance mode, an automated score was calculated to assess if this variant is too frequent to cause the disease. Based on the score and internal cut-off values, a variant classified as benign is not then subjected to further curation. The score for this variant resulted in a classification of benign for this disease.

Illumina Laboratory Services, Illumina
Classification: Likely benign for Diabetes Mellitus, Noninsulin-Dependent, with Acanthosis Nigricans and Hypertension. Last evaluated: 2018-01-13. Review status: criteria provided, single submitter. Criteria: ICSL Variant Classification Criteria 13 December 2019. Collection method: clinical testing. Allele origin: germline.
Comment: This variant was observed in the ICSL laboratory as part of a predisposition screen in an ostensibly healthy population. It had not been previously curated by ICSL or reported in the Human Gene Mutation Database (HGMD: prior to June 1st, 2018), and was therefore a candidate for classification through an automated scoring system. Utilizing variant allele frequency, disease prevalence and penetrance estimates, and inheritance mode, an automated score was calculated to assess if this variant is too frequent to cause the disease. Based on the score and internal cut-off values, a variant classified as likely benign is not then subjected to further curation. The score for this variant resulted in a classification of likely benign for this disease.

Illumina Laboratory Services, Illumina
Classification: Likely benign for Inherited obesity. Last evaluated: 2018-01-13. Review status: criteria provided, single submitter. Criteria: ICSL Variant Classification Criteria 13 December 2019. Collection method: clinical testing. Allele origin: germline.
Comment: the same text as in the submission from Illumina Laboratory Services, Illumina above.

Breakthrough Genomics
Classification: Likely benign. Review status: criteria provided, single submitter. Criteria: ACMG Guidelines, 2015. Collection method: not provided. Allele origin: germline. Inheritance: Autosomal recessive inheritance. Affected: yes.

PreventionGenetics, part of Exact Sciences
Classification: Likely benign for PPARG-related condition. Last evaluated: 2019-05-22. Review status: no assertion criteria provided. Collection method: clinical testing. Allele origin: germline. Not counted in ClinVar's aggregate classification.
Comment: This variant is classified as likely benign based on ACMG/AMP sequence variant interpretation guidelines (Richards et al. 2015 PMID: 25741868, with internal and published modifications).

Diagnostic Laboratory, Department of Genetics, University Medical Center Groningen
Classification: Likely benign. Review status: no assertion criteria provided. Collection method: clinical testing. Allele origin: germline. Affected: yes. Study: VKGL Data-share Consensus. Not counted in ClinVar's aggregate classification.

Laboratory of Diagnostic Genome Analysis, Leiden University Medical Center (LUMC)
Classification: Likely benign. Review status: no assertion criteria provided. Collection method: clinical testing. Allele origin: germline. Affected: yes. Study: VKGL Data-share Consensus. Not counted in ClinVar's aggregate classification.

NM_138711.6(PPARG):c.1362C>T (p.Ile454=)

Gene: PPARG (peroxisome proliferator activated receptor gamma; plus strand). Cytogenetic location: 3p25.2.
Variant type: single nucleotide variant.
Coding change: c.1362C>T on transcript NM_138711.6 (MANE Select); coding-DNA position 1362, C replaced by T.
Protein change: p.Ile454=; no amino-acid change (isoleucine 454 retained).
Molecular consequence: synonymous variant. On other transcripts: 3 prime UTR variant (5).
Genome position (GRCh38, 1-based): chr3:12,434,079, C>T. VCF-style: chr3-12434079-C-T. GRCh37 (hg19) VCF-style: chr3-12475578-C-T.
Other names: c.*164C>T (NM_001330615.4, NM_001374261.3, NM_001374262.3 and 1 more transcripts); c.1362C>T, p.Ile454= (NM_001354666.3, NM_001354667.3, NM_001374263.2 and 3 more transcripts); c.735C>T, p.Ile245= (NM_001354669.2); c.*148C>T (NM_001374266.1); c.1452C>T, p.Ile484= (NM_015869.5).
Identifiers: ClinVar variation 343050 (VCV000343050.56), dbSNP rs149367249, ClinGen allele CA2258362.
Genomic context (GRCh38, chr3:12,434,079, plus strand): 5'-CCAGAAAATGACAGACCTCAGACAGATTGTCACGGAACACGTGCAGCTACTGCAGGTGAT[C>T]AAGAAGACGGAGACAGACATGAGTCTTCACCCGCTCCTGCAGGAGATCTACAAGGACTTG-3'
Protein context (NP_619725.3, residues 444-464): VTEHVQLLQV[Ile454=]KKTETDMSLH